The following is an entry in ClinVar:

ClinVar aggregate classification (germline): Benign (1 of 4 stars; one submission).

Allele frequency attached by ClinVar (database versions not stated): 1000 Genomes Project 0.20647; 1000 Genomes Project 30x 0.21174; TOPMed 0.25957; gnomAD 0.26623 and 0.26960.

Submission:

GeneDx
Classification: Benign. Last evaluated: 2018-06-14. Review status: criteria provided, single submitter. Criteria: GeneDx Variant Classification (06012015). Collection method: clinical testing. Allele origin: germline. Affected: yes.
Comment: This variant is considered likely benign or benign based on one or more of the following criteria: it is a conservative change, it occurs at a poorly conserved position in the protein, it is predicted to be benign by multiple in silico algorithms, and/or has population frequency not consistent with disease.

NM_018127.7(ELAC2):c.871-316A>T

Gene: ELAC2 (elaC ribonuclease Z 2; minus strand). Cytogenetic location: 17p12.
Variant type: single nucleotide variant.
Coding change: c.871-316A>T on transcript NM_018127.7 (MANE Select); 316 bases into the intron before coding-DNA position 871, A replaced by T.
Molecular consequence: intron variant.
Genome position (GRCh38, 1-based): chr17:13,005,417, T>A on the plus strand (A>T on the coding strand, the complement: ELAC2 is on the minus strand). VCF-style: chr17-13005417-T-A. GRCh37 (hg19) VCF-style: chr17-12908734-T-A.
Other names: c.751-316A>T (NM_001165962.2); c.871-316A>T (NM_173717.2).
Identifiers: ClinVar variation 683504 (VCV000683504.1), dbSNP rs4792310, ClinGen allele CA15909273.